The following is an entry in ClinVar:

NM_173660.5(DOK7):c.1403_1408dup (p.Gly468_Pro469dup)

Gene: DOK7 (docking protein 7; plus strand). Cytogenetic location: 4p16.3.
Variant type: Duplication.
Coding change: c.1403_1408dup on transcript NM_173660.5 (MANE Select); coding-DNA positions 1403 to 1408, 6 bases duplicated (GCCCTG; older notation c.1403_1408dupGCCCTG).
Protein change: p.Gly468_Pro469dup.
Molecular consequence: inframe insertion. On other transcripts: 3 prime UTR variant (1).
Genome position (GRCh38, 1-based): chr4:3,493,389-3,493,394, GCCCTG duplicated; duplicating any 6 consecutive bases within chr4:3,493,385-3,493,394 gives the same sequence; the c. name uses the placement nearest the transcript's 3' end. VCF-style (leftmost placement, unchanged base first): chr4-3493384-G-GCCTGGC. GRCh37 (hg19) VCF-style: chr4-3495111-G-GCCTGGC.
Other names: c.1403_1408dup (NM_173660.4); c.1403_1408dup6 (NM_173660.4); c.*624_*629dup (NM_001164673.2); c.473_478dup, p.Gly158_Pro159dup (NM_001256896.2); c.1403_1408dup, p.Gly468_Pro469dup (NM_001301071.2); c.971_976dup, p.Gly324_Pro325dup (NM_001363811.2).
Identifiers: ClinVar variation 639843 (VCV000639843.11), dbSNP rs762148551, ClinGen allele CA2829501.

ClinVar aggregate classification (germline): Conflicting classifications of pathogenicity. Review status: criteria provided, conflicting classifications (1 of 4 stars). 6 submissions from 6 submitters: Uncertain significance (5); Likely benign (1). Last evaluated 2025-02-16.

Conditions:
DOK7-related disorder. Also called: DOK7-related condition.
Congenital myasthenic syndrome 10. Also called: Myasthenia, limb-girdle, familial. Identifiers: Orphanet 590, MedGen C1850792, MONDO:0009690, OMIM 254300.
Fetal akinesia deformation sequence 1 (FADS1). Also called: Fetal akinesia sequence; Pena-Shokeir syndrome type I. Identifiers: Orphanet 994, MedGen C1276035, MONDO:0100101, OMIM 208150, HP:0001989.

Submissions (6):

Laboratory of Genetics, Children's Clinical University Hospital Latvia
Classification: Likely benign. Last evaluated: 2025-02-16. Review status: criteria provided, single submitter. Criteria: ACMG Guidelines, 2015. Collection method: clinical testing. Allele origin: germline. Affected: yes.

PreventionGenetics, part of Exact Sciences
Classification: Uncertain significance for DOK7-related condition. Last evaluated: 2025-02-08. Review status: criteria provided, single submitter. Criteria: ACMG Guidelines, 2015. Collection method: clinical testing. Allele origin: germline.
Comment: The DOK7 c.1403_1408dup6 variant is predicted to result in an in-frame duplication (p.Gly468_Pro469dup). To our knowledge, this variant has not been reported in the literature. This variant is reported in 0.056% of alleles in individuals of European (non-Finnish) descent in gnomAD. At this time, the clinical significance of this variant is uncertain due to the absence of conclusive functional and genetic evidence.

Revvity Omics, Revvity
Classification: Uncertain significance. Last evaluated: 2024-07-30. Review status: criteria provided, single submitter. Criteria: ACMG Guidelines, 2015. Collection method: clinical testing. Allele origin: germline.

GeneDx
Classification: Uncertain significance. Last evaluated: 2023-12-28. Review status: criteria provided, single submitter. Criteria: GeneDx Variant Classification Process June 2021. Collection method: clinical testing. Allele origin: germline. Affected: yes.
Comment: In-frame duplication of 2 amino acids in a non-repeat region; Has not been previously published as pathogenic or benign to our knowledge

Labcorp Genetics (formerly Invitae), Labcorp
Classification: Uncertain significance for Congenital myasthenic syndrome 10; Fetal akinesia deformation sequence 1. Last evaluated: 2022-10-13. Review status: criteria provided, single submitter. Criteria: Invitae Variant Classification Sherloc (09022015). Collection method: clinical testing. Allele origin: germline.
Comment: This variant, c.1403_1408dup, results in the insertion of 2 amino acid(s) of the DOK7 protein (p.Gly468_Pro469dup), but otherwise preserves the integrity of the reading frame. This variant is present in population databases (rs762148551, gnomAD 0.05%). This variant has not been reported in the literature in individuals affected with DOK7-related conditions. ClinVar contains an entry for this variant (Variation ID: 639843). Experimental studies and prediction algorithms are not available or were not evaluated, and the functional significance of this variant is currently unknown. In summary, the available evidence is currently insufficient to determine the role of this variant in disease. Therefore, it has been classified as a Variant of Uncertain Significance.

Athena Diagnostics
Classification: Uncertain significance. Last evaluated: 2019-07-24. Review status: criteria provided, single submitter. Criteria: Athena Diagnostics Criteria. Collection method: clinical testing. Allele origin: germline.